The following is an entry in ClinVar:

ClinVar aggregate classification (germline): Uncertain significance. Review status: criteria provided, multiple submitters, no conflicts (2 of 4 stars). 3 submissions from 3 submitters: Uncertain significance (3). Last evaluated 2025-06-20.

Conditions:
VPS13B-related disorder. Also called: VPS13B-related condition.
Cohen syndrome (COH1). Also called: PEPPER SYNDROME; Cutis verticis gyrata, retinitis pigmentosa, and sensorineural deafness. Identifiers: Orphanet 193, MedGen C0265223, MONDO:0008999, OMIM 216550.
Inborn genetic diseases. Identifiers: MedGen C0950123, MeSH D030342.

Submissions (3):

PreventionGenetics, part of Exact Sciences
Classification: Uncertain significance for VPS13B-related condition. Last evaluated: 2025-06-20. Review status: criteria provided, single submitter. Criteria: ACMG Guidelines, 2015. Collection method: clinical testing. Allele origin: germline.
Comment: The VPS13B c.9409C>G variant is predicted to result in the amino acid substitution p.Pro3137Ala. To our knowledge, this variant has not been reported in the literature or in a large population database (gnomAD), indicating this variant is rare. At this time, the clinical significance of this variant is uncertain due to the absence of conclusive functional and genetic evidence.

Ambry Genetics
Classification: Uncertain significance for Inborn genetic diseases. Last evaluated: 2025-01-16. Review status: criteria provided, single submitter. Criteria: Ambry Variant Classification Scheme 2023. Collection method: clinical testing. Allele origin: germline.

Labcorp Genetics (formerly Invitae), Labcorp
Classification: Uncertain significance for Cohen syndrome. Last evaluated: 2022-10-03. Review status: criteria provided, single submitter. Criteria: Invitae Variant Classification Sherloc (09022015). Collection method: clinical testing. Allele origin: germline.
Comment: This sequence change replaces proline, which is neutral and non-polar, with alanine, which is neutral and non-polar, at codon 3162 of the VPS13B protein (p.Pro3162Ala). This variant is not present in population databases (gnomAD no frequency). This variant has not been reported in the literature in individuals affected with VPS13B-related conditions. Advanced modeling of protein sequence and biophysical properties (such as structural, functional, and spatial information, amino acid conservation, physicochemical variation, residue mobility, and thermodynamic stability) performed at Invitae indicates that this missense variant is not expected to disrupt VPS13B protein function. In summary, the available evidence is currently insufficient to determine the role of this variant in disease. Therefore, it has been classified as a Variant of Uncertain Significance.

NM_152564.5(VPS13B):c.9409C>G (p.Pro3137Ala)

Gene: VPS13B (vacuolar protein sorting 13 homolog B; plus strand). Cytogenetic location: 8q22.2.
Variant type: single nucleotide variant.
Coding change: c.9409C>G on transcript NM_152564.5 (MANE Select); coding-DNA position 9409, C replaced by G.
Protein change: p.Pro3137Ala; replaces proline 3137 with alanine.
Molecular consequence: missense variant.
Genome position (GRCh38, 1-based): chr8:99,832,447, C>G. VCF-style: chr8-99832447-C-G. GRCh37 (hg19) VCF-style: chr8-100844675-C-G.
Other names: c.9484C>G (NM_017890.3); c.9484C>G, p.Pro3162Ala (NM_017890.5); short protein forms P3137A, P3162A.
Identifiers: ClinVar variation 2091182 (VCV002091182.3), dbSNP rs553756124, ClinGen allele CA371781364.
Genomic context (GRCh38, chr8:99,832,447, plus strand): 5'-AGTGCTACTTTTAGCATTTGCCCAGGTGGAGAGCAGCCTGCTATGAAATCCAGCTCCCTT[C>G]CTTGCTGGGACTTGATGCCTGACATCAGTCAGTCAGTACTGGATGCATCCCTGCTTCAGA-3'
Protein context (NP_689777.3, residues 3127-3147): EQPAMKSSSL[Pro3137Ala]CWDLMPDISQ